The following is an entry in ClinVar:

NM_000301.5(PLG):c.1759G>A (p.Ala587Thr)

Gene: PLG (plasminogen; plus strand). Cytogenetic location: 6q26.
Variant type: single nucleotide variant.
Coding change: c.1759G>A on transcript NM_000301.5 (MANE Select); coding-DNA position 1759, G replaced by A.
Protein change: p.Ala587Thr; replaces alanine 587 with threonine.
Molecular consequence: missense variant.
Genome position (GRCh38, 1-based): chr6:160,736,964, G>A. VCF-style: chr6-160736964-G-A. GRCh37 (hg19) VCF-style: chr6-161157996-G-A.
Other names: short protein forms A587T.
Identifiers: ClinVar variation 2702134 (VCV002702134.3), dbSNP rs2484390270, ClinGen allele CA366364946.

ClinVar aggregate classification (germline): Uncertain significance (1 of 4 stars; one submission).

Submission:

Labcorp Genetics (formerly Invitae), Labcorp
Classification: Uncertain significance. Last evaluated: 2023-12-10. Review status: criteria provided, single submitter. Criteria: Invitae Variant Classification Sherloc (09022015). Collection method: clinical testing. Allele origin: germline.
Comment: This sequence change replaces alanine, which is neutral and non-polar, with threonine, which is neutral and polar, at codon 587 of the PLG protein (p.Ala587Thr). This variant is not present in population databases (gnomAD no frequency). This variant has not been reported in the literature in individuals affected with PLG-related conditions. Advanced modeling of protein sequence and biophysical properties (such as structural, functional, and spatial information, amino acid conservation, physicochemical variation, residue mobility, and thermodynamic stability) performed at Invitae indicates that this missense variant is not expected to disrupt PLG protein function with a negative predictive value of 80%. In summary, the available evidence is currently insufficient to determine the role of this variant in disease. Therefore, it has been classified as a Variant of Uncertain Significance.